The following is an entry in ClinVar:

NM_000021.4(PSEN1):c.609G>C (p.Trp203Cys)

Gene: PSEN1 (presenilin 1; plus strand). Cytogenetic location: 14q24.2.
Variant type: single nucleotide variant.
Coding change: c.609G>C on transcript NM_000021.4 (MANE Select); coding-DNA position 609, G replaced by C.
Protein change: p.Trp203Cys; replaces tryptophan 203 with cysteine.
Molecular consequence: missense variant.
Genome position (GRCh38, 1-based): chr14:73,192,704, G>C. VCF-style: chr14-73192704-G-C. GRCh37 (hg19) VCF-style: chr14-73659412-G-C.
Other names: c.597G>C, p.Trp199Cys (NM_007318.3); short protein forms W199C, W203C.
Identifiers: ClinVar variation 4978235 (VCV004978235.1).

ClinVar aggregate classification (germline): Uncertain significance (1 of 4 stars; one submission).

Conditions:
PSEN1-related disorder. Also called: PSEN1-related condition.

gnomAD v4.1: 2 of 1,614,050 alleles (0.00012%); highest among the groups gnomAD compares: Non-Finnish European, 0.00017%; no homozygotes.

Submission:

PreventionGenetics, part of Exact Sciences
Classification: Uncertain significance for PSEN1-related condition. Last evaluated: 2025-06-03. Review status: criteria provided, single submitter. Criteria: ACMG Guidelines, 2015. Collection method: clinical testing. Allele origin: germline.
Comment: The PSEN1 c.609G>C variant is predicted to result in the amino acid substitution p.Trp203Cys. This variant has been reported in an individual with amyotrophic lateral sclerosis (Table S2, Couthouis et al. 2014. PubMed ID: 25299611). This variant is reported in 0.00088% of alleles in individuals of European (Non-Finnish) descent in gnomAD. At this time, the clinical significance of this variant is uncertain due to the absence of conclusive functional and genetic evidence.